The following is an entry in ClinVar:

NM_181882.3(PRX):c.642dup (p.Arg215fs)

Gene: PRX (periaxin; minus strand). Cytogenetic location: 19q13.2.
Variant type: Duplication.
Coding change: c.642dup on transcript NM_181882.3 (MANE Select); coding-DNA position 642, one base duplicated (C; older notation c.642dupC).
Protein change: p.Arg215fs; shifts the reading frame from arginine 215.
Molecular consequence: frameshift variant. On other transcripts: 3 prime UTR variant (1).
Genome position (GRCh38, 1-based): chr19:40,397,710, G duplicated on the plus strand (C on the coding strand, the reverse complement: PRX is on the minus strand); the first of 6 consecutive G bases (chr19:40,397,710-40,397,715); duplicating any one gives the same sequence. VCF-style (leftmost placement, unchanged base first): chr19-40397709-T-TG. GRCh37 (hg19) VCF-style: chr19-40903616-T-TG.
Other names: c.*847dup (NM_020956.2); short protein forms R215fs.
Identifiers: ClinVar variation 637943 (VCV000637943.7), dbSNP rs768074428, ClinGen allele CA9444400.

ClinVar aggregate classification (germline): Pathogenic. Review status: criteria provided, single submitter (1 of 4 stars). 2 submissions from 2 submitters: Pathogenic (1). 1 of the submissions does not count toward it. Last evaluated 2021-07-13.

Conditions:
Charcot-Marie-Tooth disease type 4. Also called: Charcot-Marie-Tooth disease, type IV; Charcot-Marie-Tooth, Type 4. Identifiers: Orphanet 64749, MedGen C4082197, MONDO:0018995.
Charcot-Marie-Tooth disease. Also called: Charcot-Marie-Tooth Hereditary Neuropathy; Charcot-Marie-Tooth Neuropathy. Identifiers: Orphanet 166, MedGen C0007959, MONDO:0015626.

Submissions (2):

Labcorp Genetics (formerly Invitae), Labcorp
Classification: Pathogenic for Charcot-Marie-Tooth disease type 4. Last evaluated: 2021-07-13. Review status: criteria provided, single submitter. Criteria: Invitae Variant Classification Sherloc (09022015). Collection method: clinical testing. Allele origin: germline.
Comment: This variant is also known as c.642_643insC (p.Arg215fsX222). ClinVar contains an entry for this variant (Variation ID: 637943). This variant disrupts a region of the PRX protein in which other variant(s) (p.Arg1070*) have been determined to be pathogenic (PMID: 15197604, 15469949, 16770524, 22847150, 26059842). This suggests that this is a clinically significant region of the protein, and that variants that disrupt it are likely to be disease-causing. For these reasons, this variant has been classified as Pathogenic. This premature translational stop signal has been observed in individuals with Charcot-Marie-Tooth disease (PMID: 24011642, 24078732). This sequence change creates a premature translational stop signal (p.Arg215Glnfs*8) in the PRX gene. While this is not anticipated to result in nonsense mediated decay, it is expected to disrupt the last 1247 amino acid(s) of the PRX protein. The frequency data for this variant in the population databases is considered unreliable, as metrics indicate poor data quality at this position in the ExAC database.

Inherited Neuropathy Consortium
Classification: Uncertain significance for Charcot-Marie-Tooth disease. Review status: no assertion criteria provided. Collection method: literature only. Allele origin: germline. Affected: yes. Not counted in ClinVar's aggregate classification.

Literature cited by the submitters: PubMed 15197604 (cited by Labcorp Genetics (formerly Invitae), Labcorp); PubMed 15469949 (cited by Labcorp Genetics (formerly Invitae), Labcorp); PubMed 16770524 (cited by Labcorp Genetics (formerly Invitae), Labcorp); PubMed 22847150 (cited by Labcorp Genetics (formerly Invitae), Labcorp); PubMed 26059842 (cited by Labcorp Genetics (formerly Invitae), Labcorp); PubMed 24011642 (cited by Labcorp Genetics (formerly Invitae), Labcorp and Inherited Neuropathy Consortium); PubMed 24078732 (cited by Labcorp Genetics (formerly Invitae), Labcorp).